The following is an entry in ClinVar:

ClinVar aggregate classification (germline): Uncertain significance (1 of 4 stars; one submission).

Submission:

Labcorp Genetics (formerly Invitae), Labcorp
Classification: Uncertain significance. Last evaluated: 2022-10-25. Review status: criteria provided, single submitter. Criteria: Invitae Variant Classification Sherloc (09022015). Collection method: clinical testing. Allele origin: germline.
Comment: This sequence change replaces threonine, which is neutral and polar, with serine, which is neutral and polar, at codon 3426 of the USH2A protein (p.Thr3426Ser). This variant is not present in population databases (gnomAD no frequency). This variant has not been reported in the literature in individuals affected with USH2A-related conditions. Advanced modeling of protein sequence and biophysical properties (such as structural, functional, and spatial information, amino acid conservation, physicochemical variation, residue mobility, and thermodynamic stability) performed at Invitae indicates that this missense variant is not expected to disrupt USH2A protein function. In summary, the available evidence is currently insufficient to determine the role of this variant in disease. Therefore, it has been classified as a Variant of Uncertain Significance.

NM_206933.4(USH2A):c.10277C>G (p.Thr3426Ser)

Gene: USH2A (usherin; minus strand). Cytogenetic location: 1q41.
Variant type: single nucleotide variant.
Coding change: c.10277C>G on transcript NM_206933.4 (MANE Select); coding-DNA position 10277, C replaced by G.
Protein change: p.Thr3426Ser; replaces threonine 3426 with serine.
Molecular consequence: missense variant.
Genome position (GRCh38, 1-based): chr1:215,786,780, G>C on the plus strand (C>G on the coding strand, the complement: USH2A is on the minus strand). VCF-style: chr1-215786780-G-C. GRCh37 (hg19) VCF-style: chr1-215960122-G-C.
Other names: short protein forms T3426S.
Identifiers: ClinVar variation 2094349 (VCV002094349.4), dbSNP rs1661813831, ClinGen allele CA344839962.